The following is an entry in ClinVar:

NM_000095.3(COMP):c.165+3G>A

Gene: COMP (cartilage oligomeric matrix protein; minus strand). Cytogenetic location: 19p13.11.
Variant type: single nucleotide variant.
Coding change: c.165+3G>A on transcript NM_000095.3 (MANE Select); 3 bases into the intron after coding-DNA position 165, G replaced by A.
Molecular consequence: intron variant.
Genome position (GRCh38, 1-based): chr19:18,790,847, C>T on the plus strand (G>A on the coding strand, the complement: COMP is on the minus strand). VCF-style: chr19-18790847-C-T. GRCh37 (hg19) VCF-style: chr19-18901656-C-T.
Identifiers: ClinVar variation 4771459 (VCV004771459.1).
Genomic context (GRCh38, chr19:18,790,847, plus strand): 5'-CGCTGGGAACTGAGACCCCCTTCCGTTCCCTGGCACTCCCTGCCCCGCACCCGGGCCCCG[C>T]ACCTGCTGCCGCAGCAGCTCCCGCACGTCCTGCAGCGCCGCGTTGGTTTCCTGCAGTTCC-3'

ClinVar aggregate classification (germline): Uncertain significance (1 of 4 stars; one submission).

Submission:

Labcorp Genetics (formerly Invitae), Labcorp
Classification: Uncertain significance. Last evaluated: 2025-12-15. Review status: criteria provided, single submitter. Criteria: Invitae Variant Classification Sherloc (09022015). Collection method: clinical testing. Allele origin: germline.
Comment: This sequence change falls in intron 2 of the COMP gene. It does not directly change the encoded amino acid sequence of the COMP protein. It affects a nucleotide within the consensus splice site. This variant is not present in population databases (gnomAD no frequency). This variant has not been reported in the literature in individuals affected with COMP-related conditions. Variants that disrupt the consensus splice site are a relatively common cause of aberrant splicing (PMID: 17576681, 9536098). Algorithms developed to predict the effect of sequence changes on RNA splicing suggest that this variant is not likely to affect RNA splicing. In summary, the available evidence is currently insufficient to determine the role of this variant in disease. Therefore, it has been classified as a Variant of Uncertain Significance.

Literature cited by the submitters: PubMed 17576681; PubMed 9536098.